The following is an entry in ClinVar:

ClinVar aggregate classification (germline): Likely benign (0 of 4 stars; one submission).

Conditions:
KCNMA1-related disorder. Also called: KCNMA1-related disorders; KCNMA1-related condition.

Allele frequency attached by ClinVar (database versions not stated): gnomAD exomes below 0.00001; TOPMed 0.00001.
gnomAD v4.1: 3 of 1,551,938 alleles (0.00019%); highest among the groups gnomAD compares: Non-Finnish European, 0.00026%; no homozygotes.

Submission:

PreventionGenetics, part of Exact Sciences
Classification: Likely benign for KCNMA1-related condition. Last evaluated: 2022-09-20. Review status: no assertion criteria provided. Collection method: clinical testing. Allele origin: germline.
Comment: This variant is classified as likely benign based on ACMG/AMP sequence variant interpretation guidelines (Richards et al. 2015 PMID: 25741868, with internal and published modifications).

NM_001161352.2(KCNMA1):c.2484+1671T>C

Genes: KCNMA1 (potassium calcium-activated channel subfamily M alpha 1; minus strand), KCNMA1-AS1 (KCNMA1 antisense RNA 1; plus strand). Cytogenetic location: 10q22.3.
Variant type: single nucleotide variant.
Coding change: c.2484+1671T>C on transcript NM_001161352.2 (MANE Select); 1671 bases into the intron after coding-DNA position 2484, T replaced by C.
Molecular consequence: intron variant. On other transcripts: synonymous variant (1).
Genome position (GRCh38, 1-based): chr10:76,952,130, A>G on the plus strand (T>C on the coding strand, the complement: KCNMA1 is on the minus strand). VCF-style: chr10-76952130-A-G. GRCh37 (hg19) VCF-style: chr10-78711888-A-G.
Other names: c.2340T>C, p.Pro780= (NM_001161353.2); c.2160+1671T>C (NM_001271518.2); c.2310+1671T>C (NM_001322832.2, NM_001410940.1, NM_002247.4); c.2319+1671T>C (NM_001322829.2, NM_001322836.2, NM_001271519.2); c.2322+1671T>C (NM_001014797.3, NM_001322835.2, NM_001322837.2); c.2331+1671T>C (NM_001322830.2); c.1857+1671T>C (NM_001322838.2).
Identifiers: ClinVar variation 3044548 (VCV003044548.2), dbSNP rs1474680480, ClinGen allele CA470512412.
Genomic context (GRCh38, chr10:76,952,130, plus strand): 5'-TGATTGAATATCAGTTGGCATGCATACTACACCAATATCCAGGCAAGTCATTAAAACCCT[A>G]GGTCCCAGATACGGCATCCAGCCTGTGACCTGCCACAAGTGGTAACATCAGGCTAAATTT-3'